The following is an entry in ClinVar:

ClinVar aggregate classification (germline): Uncertain significance (1 of 4 stars; one submission).

Conditions:
Aicardi-Goutieres syndrome 2. Identifiers: Orphanet 51, MedGen C3489724, MONDO:0012429, OMIM 610181.

Allele frequency attached by ClinVar (database versions not stated): ExAC 0.00001; gnomAD exomes 0.00001.
gnomAD v4.1: 14 of 1,613,228 alleles (0.00087%); highest among the groups gnomAD compares: South Asian, 0.0066%; no homozygotes.

Submission:

Labcorp Genetics (formerly Invitae), Labcorp
Classification: Uncertain significance for Aicardi-Goutieres syndrome 2. Last evaluated: 2026-01-05. Review status: criteria provided, single submitter. Criteria: Invitae Variant Classification Sherloc (09022015). Collection method: clinical testing. Allele origin: germline.
Comment: This sequence change replaces isoleucine, which is neutral and non-polar, with valine, which is neutral and non-polar, at codon 102 of the RNASEH2B protein (p.Ile102Val). This variant is present in population databases (rs761380890, gnomAD 0.006%). This variant has not been reported in the literature in individuals affected with RNASEH2B-related conditions. ClinVar contains an entry for this variant (Variation ID: 1451014). Invitae Evidence Modeling of protein sequence and biophysical properties (such as structural, functional, and spatial information, amino acid conservation, physicochemical variation, residue mobility, and thermodynamic stability) has been performed for this missense variant. However, the output from this modeling did not meet the statistical confidence thresholds required to predict the impact of this variant on RNASEH2B protein function. In summary, the available evidence is currently insufficient to determine the role of this variant in disease. Therefore, it has been classified as a Variant of Uncertain Significance.

NM_024570.4(RNASEH2B):c.304A>G (p.Ile102Val)

Gene: RNASEH2B (ribonuclease H2 subunit B; plus strand). Cytogenetic location: 13q14.3.
Variant type: single nucleotide variant.
Coding change: c.304A>G on transcript NM_024570.4 (MANE Select); coding-DNA position 304, A replaced by G.
Protein change: p.Ile102Val; replaces isoleucine 102 with valine.
Molecular consequence: missense variant.
Genome position (GRCh38, 1-based): chr13:50,930,742, A>G. VCF-style: chr13-50930742-A-G. GRCh37 (hg19) VCF-style: chr13-51504878-A-G.
Other names: c.304A>G, p.Ile102Val (NM_001142279.2); short protein forms I102V.
Identifiers: ClinVar variation 1451014 (VCV001451014.6), dbSNP rs761380890, ClinGen allele CA6985524.
Genomic context (GRCh38, chr13:50,930,742, plus strand): 5'-GGAGGTCTTCTCCATTTTGCCACACCTGTGGATCCTCTATTTCTGCTTCTCCACTACCTC[A>G]TAAAGGCTGATAAGGAGGTGAGTTTCCAGCTCGGAGCATCCACAGTGAGGAAACAGAATC-3'
Protein context (NP_078846.2, residues 92-112): DPLFLLLHYL[Ile102Val]KADKEGKFQP